The following is an entry in ClinVar:

NM_000113.3(TOR1A):c.962C>T (p.Thr321Met)

Gene: TOR1A (torsin family 1 member A; minus strand). Cytogenetic location: 9q34.11.
Variant type: single nucleotide variant.
Coding change: c.962C>T on transcript NM_000113.3 (MANE Select); coding-DNA position 962, C replaced by T.
Protein change: p.Thr321Met; replaces threonine 321 with methionine.
Molecular consequence: missense variant.
Genome position (GRCh38, 1-based): chr9:129,814,009, G>A on the plus strand (C>T on the coding strand, the complement: TOR1A is on the minus strand). VCF-style: chr9-129814009-G-A. GRCh37 (hg19) VCF-style: chr9-132576288-G-A.
Other names: short protein forms T321M.
Identifiers: ClinVar variation 913782 (VCV000913782.6), dbSNP rs1476648522, ClinGen allele CA5278502.

ClinVar aggregate classification (germline): Uncertain significance. Review status: criteria provided, multiple submitters, no conflicts (2 of 4 stars). 3 submissions from 3 submitters: Uncertain significance (3). Last evaluated 2025-08-29.

Conditions:
TOR1A-related disorder. Also called: TOR1A-related disorders; TOR1A-related condition.
Early-onset generalized limb-onset dystonia. Also called: DYSTONIA 1, TORSION, AUTOSOMAL DOMINANT; DYT1 Early-Onset Primary Dystonia; Dystonia 1, modifier of; DYSTONIA MUSCULORUM DEFORMANS 1; Oppenheim's dystonia; Early onset torsion dystonia. Identifiers: Orphanet 256, MedGen C1851945, MONDO:0007492, OMIM 128100.

Allele frequency attached by ClinVar (database versions not stated): gnomAD exomes 0.00001; TOPMed 0.00005; ExAC 0.00002; gnomAD 0.00003 and 0.00004.
gnomAD v4.1: 113 of 1,614,080 alleles (0.007%); highest among the groups gnomAD compares: Non-Finnish European, 0.0092%; no homozygotes.

Submissions (3):

PreventionGenetics, part of Exact Sciences
Classification: Uncertain significance for TOR1A-related condition. Last evaluated: 2025-08-29. Review status: criteria provided, single submitter. Criteria: ACMG Guidelines, 2015. Collection method: clinical testing. Allele origin: germline.
Comment: The TOR1A c.962C>T variant is predicted to result in the amino acid substitution p.Thr321Met. This variant was reported in an individual with segmental dystonia (Zech et al. 2016. PubMed ID: 27477622). This variant was also reported in the compound heterozygous state in two family members with a phenotype consistenent with an autosomal recessive TOR1A-related disorder (Family 9 in Supplementary Files 1 and 3, Saffari et al. 2023. PubMed ID: 36757831). This variant is reported in 0.0023% of alleles in individuals of European (Non-Finnish) descent in gnomAD. At this time, the clinical significance of this variant is uncertain due to the absence of conclusive functional and genetic evidence.

GeneDx
Classification: Uncertain significance. Last evaluated: 2019-11-13. Review status: criteria provided, single submitter. Criteria: GeneDx Variant Classification Process June 2021. Collection method: clinical testing. Allele origin: germline. Affected: yes.
Comment: Not observed at a significant frequency in large population cohorts (Lek et al., 2016); In silico analysis, which includes protein predictors and evolutionary conservation, supports a deleterious effect; Identified as a heterozygous variant in multiple unrelated individuals with a history of dystonia (Zech et al 2016; LeDoux et al., 2016; Munoz et al., 2019); This variant is associated with the following publications: (PMID: 27477622, 27123488, 31474985, 31583275)

Illumina Laboratory Services, Illumina
Classification: Uncertain significance for Early-onset generalized limb-onset dystonia. Last evaluated: 2017-04-27. Review status: criteria provided, single submitter. Criteria: ICSL Variant Classification Criteria 13 December 2019. Collection method: clinical testing. Allele origin: germline.